The following is an entry in ClinVar:

NM_001366385.1(CARD14):c.1571A>G (p.Asp524Gly)

Gene: CARD14 (caspase recruitment domain family member 14; plus strand). Cytogenetic location: 17q25.3.
Variant type: single nucleotide variant.
Coding change: c.1571A>G on transcript NM_001366385.1 (MANE Select); coding-DNA position 1571, A replaced by G.
Protein change: p.Asp524Gly; replaces aspartic acid 524 with glycine.
Molecular consequence: missense variant. On other transcripts: non-coding transcript variant (1).
Genome position (GRCh38, 1-based): chr17:80,195,629, A>G. VCF-style: chr17-80195629-A-G. GRCh37 (hg19) VCF-style: chr17-78169428-A-G.
Other names: c.1571A>G, p.Asp524Gly (NM_024110.4, NM_001257970.1); c.860A>G, p.Asp287Gly (NM_052819.3); short protein forms D287G, D524G.
Identifiers: ClinVar variation 936019 (VCV000936019.10), dbSNP rs2040685300, ClinGen allele CA401349674.

ClinVar aggregate classification (germline): Uncertain significance (1 of 4 stars; one submission).

Conditions:
Pityriasis rubra pilaris (PRP). Also called: Pityriasis rubra pilaris--familial type. Identifiers: Orphanet 2897, MedGen C0032027, MONDO:0100017, OMIM 173200, MONDO:0008251.
Psoriasis 2. Identifiers: MedGen C1864497, MONDO:0011269, OMIM 602723.

Allele frequency attached by ClinVar (database versions not stated): gnomAD exomes below 0.00001.
gnomAD v4.1: 1 of 1,613,550 alleles (0.000062%); highest among the groups gnomAD compares: Non-Finnish European, 0.000085%; no homozygotes.

Submission:

Labcorp Genetics (formerly Invitae), Labcorp
Classification: Uncertain significance for Pityriasis rubra pilaris; Psoriasis 2. Last evaluated: 2020-02-01. Review status: criteria provided, single submitter. Criteria: Invitae Variant Classification Sherloc (09022015). Collection method: clinical testing. Allele origin: germline.
Comment: In summary, the available evidence is currently insufficient to determine the role of this variant in disease. Therefore, it has been classified as a Variant of Uncertain Significance. Algorithms developed to predict the effect of missense changes on protein structure and function are either unavailable or do not agree on the potential impact of this missense change (SIFT: "Tolerated"; PolyPhen-2: "Possibly Damaging"; Align-GVGD: "Class C0"). This sequence change replaces aspartic acid with glycine at codon 524 of the CARD14 protein (p.Asp524Gly). The aspartic acid residue is moderately conserved and there is a moderate physicochemical difference between aspartic acid and glycine. This variant is not present in population databases (ExAC no frequency). This variant has not been reported in the literature in individuals with CARD14-related conditions.